The following is an entry in ClinVar:

NM_022168.4(IFIH1):c.1524+9T>C

Gene: IFIH1 (interferon induced with helicase C domain 1; minus strand). Cytogenetic location: 2q24.2.
Variant type: single nucleotide variant.
Coding change: c.1524+9T>C on transcript NM_022168.4 (MANE Select); 9 bases into the intron after coding-DNA position 1524, T replaced by C.
Molecular consequence: intron variant.
Genome position (GRCh38, 1-based): chr2:162,281,319, A>G on the plus strand (T>C on the coding strand, the complement: IFIH1 is on the minus strand). VCF-style: chr2-162281319-A-G. GRCh37 (hg19) VCF-style: chr2-163137829-A-G.
Other names: c.1524+9T>C (NM_022168.3).
Identifiers: ClinVar variation 1133761 (VCV001133761.12), dbSNP rs74162083, ClinGen allele CA1934509.

ClinVar aggregate classification (germline): Likely benign. Review status: criteria provided, multiple submitters, no conflicts (2 of 4 stars). 3 submissions from 3 submitters: Likely benign (2). 1 of the submissions does not count toward it. Last evaluated 2025-11-26.

Conditions:
IFIH1-related disorder. Also called: IFIH1-related condition.
Singleton-Merten syndrome 1 (SGMRT1). Also called: Widened medullary cavities of bone, aortic calcification, abnormal dentition, and muscular weakness; Syndrome of widened medullary cavities of the metacarpals and phalanges, aortic calcification and abnormal dentition. Identifiers: Orphanet 85191, MedGen C4225427, MONDO:0024535, OMIM 182250.
Aicardi-Goutieres syndrome 7 (AGS7). Identifiers: Orphanet 51, MedGen C3888244, MONDO:0014367, OMIM 615846.

Allele frequency attached by ClinVar (database versions not stated): ExAC 0.00003; gnomAD 0.00003 and 0.00004; gnomAD exomes 0.00004 and 0.00005; TOPMed 0.00005.

Submissions (3):

Labcorp Genetics (formerly Invitae), Labcorp
Classification: Likely benign for Aicardi-Goutieres syndrome 7; Singleton-Merten syndrome 1. Last evaluated: 2025-11-26. Review status: criteria provided, single submitter. Criteria: Invitae Variant Classification Sherloc (09022015). Collection method: clinical testing. Allele origin: germline.

Blueprint Genetics
Classification: Likely benign. Last evaluated: 2024-08-28. Review status: criteria provided, single submitter. Criteria: ACMG Guidelines, 2015. Collection method: clinical testing. Allele origin: germline.

PreventionGenetics, part of Exact Sciences
Classification: Likely benign for IFIH1-related condition. Last evaluated: 2019-05-30. Review status: no assertion criteria provided. Collection method: clinical testing. Allele origin: germline. Not counted in ClinVar's aggregate classification.
Comment: This variant is classified as likely benign based on ACMG/AMP sequence variant interpretation guidelines (Richards et al. 2015 PMID: 25741868, with internal and published modifications).